The following is an entry in ClinVar:

ClinVar aggregate classification (germline): Likely pathogenic (1 of 4 stars; one submission).

Conditions:
Familial cancer of breast. Also called: hereditary breast carcinoma; BREAST CANCER, FAMILIAL; Hereditary breast cancer. Identifiers: Orphanet 227535, MedGen C0346153, MONDO:0016419, OMIM 114480. Disease mechanism: loss of function.

Submission:

Myriad Genetics, Inc.
Classification: Likely pathogenic for Familial cancer of breast. Last evaluated: 2024-01-30. Review status: criteria provided, single submitter. Criteria: Myriad Autosomal Dominant, Autosomal Recessive and X-Linked Classification Criteria (2023). Collection method: clinical testing. Allele origin: unknown.
Comment: This variant is considered likely pathogenic. This variant occurs within a consensus splice junction and is predicted to result in abnormal mRNA splicing of either an out-of-frame exon or an in-frame exon necessary for protein stability and/or normal function.

NM_000051.4(ATM):c.6807+1G>T

Genes: ATM (ATM serine/threonine kinase; plus strand), C11orf65 (chromosome 11 open reading frame 65; minus strand). Cytogenetic location: 11q22.3.
Variant type: single nucleotide variant.
Coding change: c.6807+1G>T on transcript NM_000051.4 (MANE Select); the canonical splice donor site of the intron after coding-DNA position 6807, G replaced by T.
Molecular consequence: splice donor variant. On other transcripts: intron variant (2).
Genome position (GRCh38, 1-based): chr11:108,325,545, G>T. VCF-style: chr11-108325545-G-T. GRCh37 (hg19) VCF-style: chr11-108196272-G-T.
Other names: c.6807+1G>T (NM_001351834.2); c.641-16474C>A (NM_001330368.2); c.*38+9675C>A (NM_001351110.2).
Identifiers: ClinVar variation 3148081 (VCV003148081.1), dbSNP rs2136319435, ClinGen allele CA382555634.